The following is an entry in ClinVar:

ClinVar aggregate classification (germline): Likely pathogenic (1 of 4 stars; one submission).

Conditions:
Koolen-de Vries syndrome (KDVS). Identifiers: Orphanet 96169, MedGen C1864871, MONDO:0012496, OMIM 610443.

Submission:

Dasa
Classification: Likely pathogenic for Koolen-de Vries syndrome. Last evaluated: 2026-01-02. Review status: criteria provided, single submitter. Criteria: DASA Assertion Criteria. Collection method: clinical testing. Allele origin: germline.
Comment: NM_015443.4(KANSL1):c.2724+1G>T affects a canonical splice site and is predicted to disrupt normal RNA splicing. Loss of function is an established disease mechanism for KANSL1 (PMID: 22544363; PMID: 22544367). Also, this variant is absent from population databases. Based on the currently available evidence, this variant is classified as likely pathogenic.

Literature cited by the submitters: PubMed 22544363; PubMed 22544367.

NM_015443.4(KANSL1):c.2724+1G>T

Gene: KANSL1 (KAT8 regulatory NSL complex subunit 1). Cytogenetic location: 17q21.31.
Variant type: single nucleotide variant.
Coding change: c.2724+1G>T on transcript NM_015443.4 (MANE Select); the canonical splice donor site of the intron after coding-DNA position 2724, G replaced by T.
Molecular consequence: splice donor variant.
Genome position (GRCh38, 1-based): chr17:46,033,402, C>A on the plus strand (G>T on the coding strand, the complement: KANSL1 is on the minus strand). VCF-style: chr17-46033402-C-A. GRCh37 (hg19) VCF-style: chr17-44110768-C-A.
Other names: c.2721+1G>T (NM_001405858.1, NM_001405857.1, NM_001405856.1 and 1 more transcripts); c.2724+1G>T (NM_001405874.1, NM_001405855.1, NM_001405873.1 and 4 more transcripts); c.2622+1G>T (NM_001405860.1, NM_001405859.1); c.2532+1G>T (NM_001405880.1, NM_001405879.1); c.2535+1G>T (NM_001405877.1, NM_001405876.1, NM_001405875.1 and 1 more transcripts); c.1266+1G>T (NM_001405885.1); c.1269+1G>T (NM_001405884.1); c.1455+1G>T (NM_001405883.1); and 2 more.
Identifiers: ClinVar variation 4884183 (VCV004884183.2).